The following is an entry in ClinVar:

ClinVar aggregate classification (germline): Pathogenic (1 of 4 stars; one submission).

Conditions:
Hereditary nonpolyposis colorectal neoplasms. Identifiers: MedGen C0009405, MeSH D003123.

Submission:

Labcorp Genetics (formerly Invitae), Labcorp
Classification: Pathogenic for Hereditary nonpolyposis colorectal neoplasms. Last evaluated: 2025-10-12. Review status: criteria provided, single submitter. Criteria: Invitae Variant Classification Sherloc (09022015). Collection method: clinical testing. Allele origin: germline.
Comment: This variant, c.2299_2304del, results in the deletion of 2 amino acid(s) of the MSH6 protein (p.Thr767_Pro768del), but otherwise preserves the integrity of the reading frame. This variant is not present in population databases (gnomAD no frequency). This variant has not been reported in the literature in individuals affected with MSH6-related conditions. ClinVar contains an entry for this variant (Variation ID: 845264). This variant disrupts a region of the MSH6 protein in which other variant(s) (p.Thr767Ile) have been determined to be pathogenic (PMID: 31100584, 31965077). This suggests that this is a clinically significant region of the protein, and that variants that disrupt it are likely to be disease-causing. For these reasons, this variant has been classified as Pathogenic.

Literature cited by the submitters: PubMed 31100584; PubMed 31965077.

NM_000179.3(MSH6):c.2299_2304del (p.Thr767_Pro768del)

Gene: MSH6 (mutS homolog 6; plus strand). Cytogenetic location: 2p16.3.
Variant type: Deletion.
Coding change: c.2299_2304del on transcript NM_000179.3 (MANE Select); coding-DNA positions 2299 to 2304, 6 bases deleted (ACTCCT; older notation c.2299_2304delACTCCT).
Protein change: p.Thr767_Pro768del.
Molecular consequence: inframe deletion.
Genome position (GRCh38, 1-based): chr2:47,800,282-47,800,287, ACTCCT deleted; deleting any 6 consecutive bases within chr2:47,800,281-47,800,287 gives the same sequence; the c. name uses the placement nearest the transcript's 3' end. VCF-style (leftmost placement, unchanged base first): chr2-47800280-ATACTCC-A. GRCh37 (hg19) VCF-style: chr2-48027419-ATACTCC-A.
Other names: c.1909_1914del, p.Thr637_Pro638del (NM_001281492.2); c.1393_1398del, p.Thr465_Pro466del (NM_001281493.2, NM_001281494.2).
Identifiers: ClinVar variation 845264 (VCV000845264.10), dbSNP rs1669445829, ClinGen allele CA916079957.